The following is an entry in ClinVar:

ClinVar aggregate classification (germline): Benign/Likely benign. Review status: criteria provided, multiple submitters, no conflicts (2 of 4 stars). 24 submissions from 22 submitters: Benign (12); Likely benign (7). 5 of the submissions do not count toward it. Last evaluated 2026-08-01.

Conditions:
Cardiovascular phenotype. Identifiers: MedGen CN230736.
Arrhythmogenic right ventricular cardiomyopathy (ARVD). Also called: Arrhythmogenic Right Ventricular Cardiomyopathy (ARVC); Cardiomyopathy, ARVC; Arrhythmogenic right ventricular dysplasia; Arrhythmogenic cardiomyopathy. Identifiers: Orphanet 247, MedGen C0349788, MeSH D019571, MONDO:0016587. Disease mechanism: loss of function. Inheritance: Various modes of inheritance.
Arrhythmogenic cardiomyopathy with wooly hair and keratoderma. Also called: Carvajal syndrome; Dilated cardiomyopathy with woolly hair and keratoderma; Arrhythmogenic cardiomyopathy with woolly hair and keratoderma; PALMOPLANTAR KERATODERMA WITH LEFT VENTRICULAR CARDIOMYOPATHY AND WOOLLY HAIR. Identifiers: Orphanet 65282, MedGen C1854063, MONDO:0011581, OMIM 605676.
Arrhythmogenic right ventricular dysplasia 8 (ARVD8). Also called: Arrhythmogenic Right Ventricular Dysplasia/Cardiomyopathy 8; ARRHYTHMOGENIC RIGHT VENTRICULAR DYSPLASIA, FAMILIAL, 8; ARRHYTHMOGENIC RIGHT VENTRICULAR CARDIOMYOPATHY 8. Identifiers: MedGen C1843896, MONDO:0011831, OMIM 607450.
Cardiomyopathy (CMYO). Also called: Cardiomyopathies. Identifiers: Orphanet 167848, MedGen C0878544, MONDO:0004994, HP:0001638. Inheritance: Various modes of inheritance.
Lethal acantholytic epidermolysis bullosa (EBLA). Identifiers: Orphanet 158687, MedGen C1864826, MONDO:0012323, OMIM 609638.
Woolly hair-skin fragility syndrome (WHSF). Identifiers: Orphanet 293165, MedGen C1843292, MONDO:0957307, OMIM 620415.

Allele frequency attached by ClinVar (database versions not stated): gnomAD 0.01144 and 0.01244; gnomAD exomes 0.00108 and 0.00289; TOPMed 0.01306; ESP Exome Variant Server 0.01330; ExAC 0.00369; 1000 Genomes Project 0.01058; 1000 Genomes Project 30x 0.01171.
gnomAD v4.1: 3,374 of 1,613,254 alleles (0.21%); highest among the groups gnomAD compares: African/African-American, 4%; 62 homozygotes.

Submissions (24):

CeGaT Center for Human Genetics Tuebingen
Classification: Benign. Last evaluated: 2026-08-01. Review status: criteria provided, single submitter. Criteria: CeGaT Center For Human Genetics Tuebingen Variant Classification Criteria Version 2. Collection method: clinical testing. Allele origin: germline. Affected: yes. Observed: 7 variant alleles.
Comment: DSP: BP4, BS1, BS2

Labcorp Genetics (formerly Invitae), Labcorp
Classification: Benign for Arrhythmogenic cardiomyopathy with wooly hair and keratoderma; Arrhythmogenic right ventricular dysplasia 8. Last evaluated: 2026-02-03. Review status: criteria provided, single submitter. Criteria: Invitae Variant Classification Sherloc (09022015). Collection method: clinical testing. Allele origin: germline.

ARUP Laboratories, Molecular Genetics and Genomics, ARUP Laboratories
Classification: Benign. Last evaluated: 2025-04-02. Review status: criteria provided, single submitter. Criteria: ARUP Molecular Germline Variant Investigation Process 2024. Collection method: clinical testing. Allele origin: germline.

Cohesion Phenomics
Classification: Benign for Cardiomyopathy. Last evaluated: 2022-09-23. Review status: criteria provided, single submitter. Criteria: ACMG Guidelines, 2015. Collection method: clinical testing. Allele origin: germline. Affected: yes.

GeneDx
Classification: Benign. Last evaluated: 2018-11-28. Review status: criteria provided, single submitter. Criteria: GeneDx Variant Classification Process June 2021. Collection method: clinical testing. Allele origin: germline. Affected: yes.
Comment: This variant is associated with the following publications: (PMID: 25985138, 26332594, 27153395, 27884173, 20400443, 23299917, 20716751)

Illumina Laboratory Services, Illumina
Classification: Likely benign for Lethal acantholytic epidermolysis bullosa. Last evaluated: 2018-08-30. Review status: criteria provided, single submitter. Criteria: ICSL Variant Classification Criteria 13 December 2019. Collection method: clinical testing. Allele origin: germline.
Comment: This variant was observed as part of a predisposition screen in an ostensibly healthy population. A literature search was performed for the gene, cDNA change, and amino acid change (where applicable). No publications were found based on this search. Allele frequency data from public databases allowed determination this variant is unlikely to cause disease. Therefore, this variant is classified as likely benign.

Illumina Laboratory Services, Illumina
Classification: Likely benign for Arrhythmogenic cardiomyopathy with wooly hair and keratoderma. Last evaluated: 2018-08-30. Review status: criteria provided, single submitter. Criteria: ICSL Variant Classification Criteria 13 December 2019. Collection method: clinical testing. Allele origin: germline.
Comment: the same text as in the submission from Illumina Laboratory Services, Illumina above.

Illumina Laboratory Services, Illumina
Classification: Likely benign for Arrhythmogenic right ventricular dysplasia 8. Last evaluated: 2018-08-30. Review status: criteria provided, single submitter. Criteria: ICSL Variant Classification Criteria 13 December 2019. Collection method: clinical testing. Allele origin: germline.
Comment: This variant was observed as part of a predisposition screen in an ostensibly healthy population. A literature search was performed for the gene, cDNA change, and amino acid change (where applicable). Publications were found based on this search. The evidence from the literature, in combination with allele frequency data from public databases where available, was sufficient to determine this variant is unlikely to cause disease. Therefore, this variant is classified as likely benign.

Color Diagnostics, LLC DBA Color Health
Classification: Benign for Cardiomyopathy. Last evaluated: 2018-03-19. Review status: criteria provided, single submitter. Criteria: ACMG Guidelines, 2015. Collection method: clinical testing. Allele origin: germline.

Women's Health and Genetics/Laboratory Corporation of America, LabCorp
Classification: Benign. Last evaluated: 2016-11-22. Review status: criteria provided, single submitter. Criteria: LabCorp Variant Classification Summary - May 2015. Collection method: clinical testing. Allele origin: germline.

Mayo Clinic Laboratories, Mayo Clinic
Classification: Benign. Last evaluated: 2016-02-17. Review status: criteria provided, single submitter. Criteria: ACMG Guidelines, 2015. Collection method: clinical testing. Allele origin: germline. Observed: 15 variant alleles.

Center for Pediatric Genomic Medicine, Children's Mercy Hospital and Clinics
Classification: Benign. Last evaluated: 2016-01-11. Review status: criteria provided, single submitter. Criteria: ACMG Guidelines, 2015. Collection method: clinical testing. Allele origin: germline.

CHEO Genetics Diagnostic Laboratory, Children's Hospital of Eastern Ontario
Classification: Likely benign for Cardiomyopathy. Last evaluated: 2015-11-04. Review status: criteria provided, single submitter. Criteria: ACMG Guidelines, 2015. Collection method: clinical testing. Allele origin: germline. Study: Canadian Open Genetics Repository.

Ambry Genetics
Classification: Benign for Cardiovascular phenotype. Last evaluated: 2015-10-01. Review status: criteria provided, single submitter. Criteria: Ambry Variant Classification Scheme 2023. Collection method: clinical testing. Allele origin: germline.

Genomic Diagnostic Laboratory, Division of Genomic Diagnostics, Children's Hospital of Philadelphia
Classification: Likely benign for Arrhythmogenic right ventricular cardiomyopathy. Last evaluated: 2015-02-05. Review status: criteria provided, single submitter. Criteria: DGD Variant Analysis Guidelines. Collection method: clinical testing. Allele origin: unknown.

Biesecker Lab/Clinical Genomics Section, National Institutes of Health
Classification: Benign for Arrhythmogenic right ventricular dysplasia/cardiomyopathy. Last evaluated: 2013-06-24. Review status: criteria provided, single submitter. Criteria: Ng et al. (Circ Cardiovasc Genet. 2013). Collection method: research. Allele origin: unknown. Observed: 3 variant alleles. Study: ClinSeq.
Comment: The study set was not selected for affection status in relation to any cancer. Pathogenicity categories were based on literature curation. See Pubmed ID:23861362 for details.

Medical sequencing

Laboratory for Molecular Medicine, Mass General Brigham Personalized Medicine
Classification: Benign. Last evaluated: 2012-02-07. Review status: criteria provided, single submitter. Criteria: LMM Criteria. Collection method: clinical testing. Allele origin: germline. Observed: 24 variant alleles.

Breakthrough Genomics
Classification: Likely benign. Review status: criteria provided, single submitter. Criteria: ACMG Guidelines, 2015. Collection method: not provided. Allele origin: germline. Inheritance: Autosomal recessive inheritance. Affected: yes.

Molecular Diagnostic Laboratory for Inherited Cardiovascular Disease, Montreal Heart Institute
Classification: Likely benign. Review status: criteria provided, single submitter. Criteria: ACMG Guidelines, 2015. Collection method: clinical testing. Allele origin: germline. Affected: yes.

Clinical Genetics DNA and cytogenetics Diagnostics Lab, Erasmus MC, Erasmus Medical Center
Classification: Benign. Review status: no assertion criteria provided. Collection method: clinical testing. Allele origin: germline. Affected: yes. Study: VKGL Data-share Consensus. Not counted in ClinVar's aggregate classification.

Clinical Genetics, Academic Medical Center
Classification: Benign. Review status: no assertion criteria provided. Collection method: clinical testing. Allele origin: germline. Affected: yes. Study: VKGL Data-share Consensus. Not counted in ClinVar's aggregate classification.

Diagnostic Laboratory, Department of Genetics, University Medical Center Groningen
Classification: Likely benign. Review status: no assertion criteria provided. Collection method: clinical testing. Allele origin: germline. Affected: yes. Study: VKGL Data-share Consensus. Not counted in ClinVar's aggregate classification.

Genome Diagnostics Laboratory, University Medical Center Utrecht
Classification: Benign. Review status: no assertion criteria provided. Collection method: clinical testing. Allele origin: germline. Affected: yes. Study: VKGL Data-share Consensus. Not counted in ClinVar's aggregate classification.

Joint Genome Diagnostic Labs from Nijmegen and Maastricht, Radboudumc and MUMC+
Classification: Benign. Review status: no assertion criteria provided. Collection method: clinical testing. Allele origin: germline. Affected: yes. Study: VKGL Data-share Consensus. Not counted in ClinVar's aggregate classification.

Literature cited by the submitters: PubMed 20716751 (cited by Illumina Laboratory Services, Illumina and Women's Health and Genetics/Laboratory Corporation of America, LabCorp); PubMed 20400443 (cited by Illumina Laboratory Services, Illumina and Women's Health and Genetics/Laboratory Corporation of America, LabCorp); PubMed 23861362 (cited by Women's Health and Genetics/Laboratory Corporation of America, LabCorp); PubMed 23299917 (cited by Women's Health and Genetics/Laboratory Corporation of America, LabCorp).

NM_004415.4(DSP):c.2815G>A (p.Gly939Ser)

Gene: DSP (desmoplakin; plus strand). Cytogenetic location: 6p24.3.
Variant type: single nucleotide variant.
Coding change: c.2815G>A on transcript NM_004415.4 (MANE Select); coding-DNA position 2815, G replaced by A.
Protein change: p.Gly939Ser; replaces glycine 939 with serine.
Molecular consequence: missense variant.
Genome position (GRCh38, 1-based): chr6:7,576,980, G>A. VCF-style: chr6-7576980-G-A. GRCh37 (hg19) VCF-style: chr6-7577213-G-A.
Other names: c.2815G>A, p.Gly939Ser (NM_001008844.3, NM_001319034.2); short protein forms G939S.
Identifiers: ClinVar variation 36020 (VCV000036020.74), dbSNP rs80325569, ClinGen allele CA005623.